The following is an entry in ClinVar:

NM_016203.4(PRKAG2):c.1071A>T (p.Thr357=)

Gene: PRKAG2 (protein kinase AMP-activated non-catalytic subunit gamma 2; minus strand). Cytogenetic location: 7q36.1.
Variant type: single nucleotide variant.
Coding change: c.1071A>T on transcript NM_016203.4 (MANE Select); coding-DNA position 1071, A replaced by T.
Protein change: p.Thr357=; no amino-acid change (threonine 357 retained).
Molecular consequence: synonymous variant.
Genome position (GRCh38, 1-based): chr7:151,570,206, T>A on the plus strand (A>T on the coding strand, the complement: PRKAG2 is on the minus strand). VCF-style: chr7-151570206-T-A. GRCh37 (hg19) VCF-style: chr7-151267292-T-A.
Other names: c.939A>T, p.Thr313= (NM_001040633.2); c.696A>T, p.Thr232= (NM_001304527.2); c.348A>T, p.Thr116= (NM_001304531.2, NM_024429.2); c.699A>T, p.Thr233= (NM_001363698.2).
Identifiers: ClinVar variation 45685 (VCV000045685.16), dbSNP rs397517260, ClinGen allele CA013541.

ClinVar aggregate classification (germline): Likely benign. Review status: criteria provided, multiple submitters, no conflicts (2 of 4 stars). 4 submissions from 4 submitters: Likely benign (4). Last evaluated 2025-12-22.

Conditions:
Cardiomyopathy (CMYO). Also called: Cardiomyopathies. Identifiers: Orphanet 167848, MedGen C0878544, MONDO:0004994, HP:0001638. Inheritance: Various modes of inheritance.
Lethal congenital glycogen storage disease of heart. Also called: GLYCOGEN STORAGE DISEASE OF HEART; PHOSPHORYLASE KINASE DEFICIENCY OF HEART. Identifiers: Orphanet 439854, MedGen C1849813, MONDO:0009867, OMIM 261740.
Hypertrophic cardiomyopathy. Also called: HYPERTROPHIC MYOCARDIOPATHY. Identifiers: Orphanet 217569, MedGen C0007194, MeSH D002312, MONDO:0005045, HP:0001639.

Allele frequency attached by ClinVar (database versions not stated): gnomAD exomes below 0.00001 and 0.00001; gnomAD 0.00001; ExAC 0.00002; 1000 Genomes Project 30x 0.00016; 1000 Genomes Project 0.00020.
gnomAD v4.1: 8 of 1,603,288 alleles (0.0005%); highest among the groups gnomAD compares: Middle Eastern, 0.017%; no homozygotes.

Submissions (4):

Labcorp Genetics (formerly Invitae), Labcorp
Classification: Likely benign for Lethal congenital glycogen storage disease of heart. Last evaluated: 2025-12-22. Review status: criteria provided, single submitter. Criteria: Invitae Variant Classification Sherloc (09022015). Collection method: clinical testing. Allele origin: germline.

All of Us Research Program, National Institutes of Health
Classification: Likely benign for Hypertrophic cardiomyopathy. Last evaluated: 2024-02-22. Review status: criteria provided, single submitter. Criteria: ACMG Guidelines, 2015. Collection method: clinical testing. Allele origin: germline. Inheritance: Autosomal dominant inheritance. Observed: 1 variant allele, 1 heterozygote.
Comment: This study involves interpretation of variants in research participants for the purpose of population health screening. Participant phenotype was not available at the time of variant classification. Additional details can be found in publication PMID: 35346344, PMCID: PMC8962531

CHEO Genetics Diagnostic Laboratory, Children's Hospital of Eastern Ontario
Classification: Likely benign for Cardiomyopathy. Last evaluated: 2021-11-26. Review status: criteria provided, single submitter. Criteria: ACMG Guidelines, 2015. Collection method: clinical testing. Allele origin: germline.

Laboratory for Molecular Medicine, Mass General Brigham Personalized Medicine
Classification: Likely benign. Last evaluated: 2009-03-24. Review status: criteria provided, single submitter. Criteria: LMM Criteria. Collection method: clinical testing. Allele origin: germline. Observed: 1 variant allele.